The following is an entry in ClinVar:

NC_000015.9:g.(?_93552355)_(93567935_?)del

Gene: CHD2 (chromodomain helicase DNA binding protein 2; plus strand). Cytogenetic location: 15q26.1.
Variant type: Deletion.
Identifiers: ClinVar variation 3243822 (VCV003243822.1).

ClinVar aggregate classification (germline): Pathogenic (1 of 4 stars; one submission).

Conditions:
Developmental and epileptic encephalopathy 94 (DEE94). Also called: Epileptic encephalopathy, childhood-onset; CHD2-Related Neurodevelopmental Disorders. Identifiers: Orphanet 1942, Orphanet 2382, MedGen C3809278, MONDO:0014150, OMIM 615369.

Submission:

Labcorp Genetics (formerly Invitae), Labcorp
Classification: Pathogenic for Developmental and epileptic encephalopathy 94. Last evaluated: 2023-03-21. Review status: criteria provided, single submitter. Criteria: Invitae Variant Classification Sherloc (09022015). Collection method: clinical testing. Allele origin: unknown.
Comment: For these reasons, this variant has been classified as Pathogenic. This variant disrupts a region of the CHD2 protein in which other variant(s) (p.Ser1538Phe) have been determined to be pathogenic (Invitae). This suggests that this is a clinically significant region of the protein, and that variants that disrupt it are likely to be disease-causing. This variant has not been reported in the literature in individuals affected with CHD2-related conditions. This variant is a gross deletion of the genomic region encompassing exon(s) 35-39 of the CHD2 gene, which includes the termination codon. This deletion extends beyond the assayed region for this gene and therefore may encompass additional genes. While this deletion is not anticipated to lead to nonsense mediated decay, it is expected to alter mRNA translation or result in a truncated protein product.